The following is an entry in ClinVar:

NM_002528.7(NTHL1):c.1A>G (p.Met1Val)

Gene: NTHL1 (nth like DNA glycosylase 1; minus strand). Cytogenetic location: 16p13.3.
Variant type: single nucleotide variant.
Coding change: c.1A>G on transcript NM_002528.7 (MANE Select); coding-DNA position 1, A replaced by G.
Protein change: p.Met1Val; changes the start codon (methionine 1).
Molecular consequence: missense variant, initiator codon variant. On other transcripts: 5 prime UTR variant (1).
Genome position (GRCh38, 1-based): chr16:2,047,823, T>C on the plus strand (A>G on the coding strand, the complement: NTHL1 is on the minus strand). VCF-style: chr16-2047823-T-C. GRCh37 (hg19) VCF-style: chr16-2097824-T-C.
Other names: c.25A>G (NM_002528.5); c.1A>G, p.Met1Val (NM_001318193.2); c.-178A>G (NM_001318194.2); short protein forms M1V.
Identifiers: ClinVar variation 954928 (VCV000954928.9), dbSNP rs1277993259, ClinGen allele CA394298744.
Genomic context (GRCh38, chr16:2,047,823, plus strand): 5'-GCCCAGCCCCGGGTCCCAGGCTCCGGCTCCGGGTCAGCATCCTCGCGCTCAAGGCGGTCA[T>C]GCCGGACTCCTGCGGACTACACATCCCGGCGGCCCATGCGGCCCCGTCACGTGATGCAAG-3'
Protein context (NP_002519.2, residues 1-11): [Met1Val]TALSARMLTR

ClinVar aggregate classification (germline): Uncertain significance. Review status: criteria provided, multiple submitters, no conflicts (2 of 4 stars). 2 submissions from 2 submitters: Uncertain significance (2). Last evaluated 2024-07-28.

Conditions:
Hereditary cancer-predisposing syndrome. Also called: Hereditary neoplastic syndrome; Tumor predisposition; Neoplastic Syndromes, Hereditary; Hereditary Cancer Syndrome. Identifiers: Orphanet 140162, MedGen C0027672, MeSH D009386, MONDO:0015356.

Allele frequency attached by ClinVar (database versions not stated): gnomAD exomes below 0.00001; TOPMed below 0.00001.

Submissions (2):

Ambry Genetics
Classification: Uncertain significance for Hereditary cancer-predisposing syndrome. Last evaluated: 2024-07-28. Review status: criteria provided, single submitter. Criteria: Ambry Variant Classification Scheme 2023. Collection method: clinical testing. Allele origin: germline.
Comment: The p.M9V variant (also known as c.25A>G), located in coding exon 1 of the NTHL1 gene, results from an A to G substitution at nucleotide position 25. The methionine at codon 9 is replaced by valine, an amino acid with highly similar properties. This amino acid position is conserved. In addition, this alteration is predicted to be tolerated by in silico analysis. Based on the available evidence, the clinical significance of this variant remains unclear.

Labcorp Genetics (formerly Invitae), Labcorp
Classification: Uncertain significance. Last evaluated: 2022-05-04. Review status: criteria provided, single submitter. Criteria: Invitae Variant Classification Sherloc (09022015). Collection method: clinical testing. Allele origin: germline.
Comment: ClinVar contains an entry for this variant (Variation ID: 954928). In summary, the available evidence is currently insufficient to determine the role of this variant in disease. Therefore, it has been classified as a Variant of Uncertain Significance. Algorithms developed to predict the effect of missense changes on protein structure and function are either unavailable or do not agree on the potential impact of this missense change (SIFT: "Not Available"; PolyPhen-2: "Benign"; Align-GVGD: "Not Available"). This sequence change replaces methionine, which is neutral and non-polar, with valine, which is neutral and non-polar, at codon 9 of the NTHL1 protein (p.Met9Val). This variant is not present in population databases (gnomAD no frequency). This variant has not been reported in the literature in individuals affected with NTHL1-related conditions.